The following is an entry in ClinVar:

ClinVar aggregate classification (germline): Uncertain significance (1 of 4 stars; one submission).

Conditions:
Familial melanoma. Also called: Hereditary melanoma; Hereditary cutaneous melanoma. Identifiers: Orphanet 618, MedGen C1512419, MONDO:0018961.

Submission:

Labcorp Genetics (formerly Invitae), Labcorp
Classification: Uncertain significance for Familial melanoma. Last evaluated: 2017-07-22. Review status: criteria provided, single submitter. Criteria: Invitae Variant Classification Sherloc (09022015). Collection method: clinical testing. Allele origin: germline.
Comment: In summary, the available evidence is currently insufficient to determine the role of this variant in disease. Therefore, it has been classified as a Variant of Uncertain Significance. Experimental studies and prediction algorithms are not available for this variant, and the functional significance of the duplicated amino acid residue is currently unknown. This variant has not been reported in the literature in individuals with CDKN2A (p16INK4a)-related disease. This variant is not present in population databases (ExAC no frequency). This variant, c.358_360dupGAG, results in the insertion of 1 amino acid residue to the CDKN2A (p16INK4a) protein (p.Glu120dup), but otherwise preserves the integrity of the reading frame.

NM_000077.5(CDKN2A):c.355GAG[3] (p.Glu120_Leu121insGlu)

Gene: CDKN2A (cyclin dependent kinase inhibitor 2A; minus strand). Cytogenetic location: 9p21.3.
Variant type: Microsatellite.
Coding change: c.355GAG[3] on transcript NM_000077.5; three copies in a row of the 3-base unit GAG starting at c.355; the reference has two copies in a row; one copy, 3 bases duplicated.
Protein change: p.Glu120_Leu121insGlu.
Molecular consequence: inframe indel (on NM_000077.6). On other transcripts: inframe insertion (2), no sequence alteration (1), 3 prime UTR variant (1).
Genome position (GRCh38, 1-based): chr9:21,970,999-21,971,001, CTC duplicated on the plus strand (GAG on the coding strand, the reverse complement: CDKN2A is on the minus strand); duplicating any 3 consecutive bases within chr9:21,970,999-21,971,004 gives the same sequence; the position shown is the placement nearest the transcript's 3' end. VCF-style (leftmost placement, unchanged base first): chr9-21970998-G-GCTC. GRCh37 (hg19) VCF-style: chr9-21970997-G-GCTC.
Other names: c.355_357GAG[3], p.Glu120_Leu121insGlu (NM_000077.6); c.355GAG[3], p.Glu120_Leu121insGlu (NM_001195132.2); c.202GAG[3], p.Glu69_Leu70insGlu (NM_001363763.2); c.398GAG[3], p.Ter133= (NM_058195.4); c.*278GAG[3] (NM_058197.5).
Identifiers: ClinVar variation 463501 (VCV000463501.8), dbSNP rs1554653952, ClinGen allele CA658656025.